The following is an entry in ClinVar:

NM_024642.5(GALNT12):c.226G>C (p.Gly76Arg)

Gene: GALNT12 (polypeptide N-acetylgalactosaminyltransferase 12; plus strand). Cytogenetic location: 9q22.33.
Variant type: single nucleotide variant.
Coding change: c.226G>C on transcript NM_024642.5 (MANE Select); coding-DNA position 226, G replaced by C.
Protein change: p.Gly76Arg; replaces glycine 76 with arginine.
Molecular consequence: missense variant.
Genome position (GRCh38, 1-based): chr9:98,807,924, G>C. VCF-style: chr9-98807924-G-C. GRCh37 (hg19) VCF-style: chr9-101570206-G-C.
Other names: c.226G>C (NM_024642.4); short protein forms G76R.
Identifiers: ClinVar variation 1415585 (VCV001415585.9), dbSNP rs1036085286, ClinGen allele CA196833817.

ClinVar aggregate classification (germline): Uncertain significance. Review status: criteria provided, multiple submitters, no conflicts (2 of 4 stars). 2 submissions from 2 submitters: Uncertain significance (2). Last evaluated 2024-01-13.

Submissions (2):

Ambry Genetics
Classification: Uncertain significance. Last evaluated: 2024-01-13. Review status: criteria provided, single submitter. Criteria: Ambry Variant Classification Scheme 2023. Collection method: clinical testing. Allele origin: germline.
Comment: The p.G76R variant (also known as c.226G>C), located in coding exon 1 of the GALNT12 gene, results from a G to C substitution at nucleotide position 226. The glycine at codon 76 is replaced by arginine, an amino acid with dissimilar properties. This amino acid position is conserved. In addition, the in silico prediction for this alteration is inconclusive. Since supporting evidence is limited at this time, the clinical significance of this alteration remains unclear.

Labcorp Genetics (formerly Invitae), Labcorp
Classification: Uncertain significance. Last evaluated: 2021-03-29. Review status: criteria provided, single submitter. Criteria: Invitae Variant Classification Sherloc (09022015). Collection method: clinical testing. Allele origin: germline.
Comment: This sequence change replaces glycine with arginine at codon 76 of the GALNT12 protein (p.Gly76Arg). The glycine residue is moderately conserved and there is a moderate physicochemical difference between glycine and arginine. The frequency data for this variant in the population databases is considered unreliable, as metrics indicate insufficient coverage at this position in the ExAC database. In summary, the available evidence is currently insufficient to determine the role of this variant in disease. Therefore, it has been classified as a Variant of Uncertain Significance. Algorithms developed to predict the effect of missense changes on protein structure and function are either unavailable or do not agree on the potential impact of this missense change (SIFT: "Deleterious"; PolyPhen-2: "Probably Damaging"; Align-GVGD: "Class C0"). This variant has not been reported in the literature in individuals with GALNT12-related conditions.